The following is an entry in ClinVar:

NM_001164508.2(NEB):c.3567T>A (p.Asp1189Glu)

Gene: NEB (nebulin; minus strand). Cytogenetic location: 2q23.3.
Variant type: single nucleotide variant.
Coding change: c.3567T>A on transcript NM_001164508.2 (MANE Select); coding-DNA position 3567, T replaced by A.
Protein change: p.Asp1189Glu; replaces aspartic acid 1189 with glutamic acid.
Molecular consequence: missense variant.
Genome position (GRCh38, 1-based): chr2:151,677,876, A>T on the plus strand (T>A on the coding strand, the complement: NEB is on the minus strand). VCF-style: chr2-151677876-A-T. GRCh37 (hg19) VCF-style: chr2-152534390-A-T.
Other names: c.3567T>A, p.Asp1189Glu (NM_001164507.2, NM_001271208.2, NM_004543.5); short protein forms D1189E.
Identifiers: ClinVar variation 937391 (VCV000937391.11), dbSNP rs781515499, ClinGen allele CA1910885.

ClinVar aggregate classification (germline): Uncertain significance. Review status: criteria provided, single submitter (1 of 4 stars). 2 submissions from 2 submitters: Uncertain significance (1). 1 of the submissions does not count toward it. Last evaluated 2021-08-31.

Conditions:
Nemaline myopathy 2 (NEM2). Also called: Nemaline myopathy 2, autosomal recessive. Identifiers: MedGen C1850569, MONDO:0009725, OMIM 256030.

Allele frequency attached by ClinVar (database versions not stated): gnomAD exomes 0.00001; ExAC 0.00002; TOPMed 0.00002; gnomAD 0.00003.
gnomAD v4.1: 20 of 1,607,796 alleles (0.0012%); highest among the groups gnomAD compares: Non-Finnish European, 0.0017%; no homozygotes.

Submissions (2):

Labcorp Genetics (formerly Invitae), Labcorp
Classification: Uncertain significance for Nemaline myopathy 2. Last evaluated: 2021-08-31. Review status: criteria provided, single submitter. Criteria: Invitae Variant Classification Sherloc (09022015). Collection method: clinical testing. Allele origin: germline.
Comment: This sequence change replaces aspartic acid with glutamic acid at codon 1189 of the NEB protein (p.Asp1189Glu). The aspartic acid residue is moderately conserved and there is a small physicochemical difference between aspartic acid and glutamic acid. The frequency data for this variant in the population databases is considered unreliable, as metrics indicate poor data quality at this position in the ExAC database. This variant has not been reported in the literature in individuals affected with NEB-related conditions. Algorithms developed to predict the effect of missense changes on protein structure and function are either unavailable or do not agree on the potential impact of this missense change (SIFT: "Deleterious"; PolyPhen-2: "Not Available"; Align-GVGD: "Class C0"). In summary, the available evidence is currently insufficient to determine the role of this variant in disease. Therefore, it has been classified as a Variant of Uncertain Significance.

Natera, Inc.
Classification: Uncertain significance for Nemaline myopathy type 2. Last evaluated: 2021-09-14. Review status: no assertion criteria provided. Collection method: clinical testing. Allele origin: germline. Not counted in ClinVar's aggregate classification.